The following is an entry in ClinVar:

NM_001029883.3(PCARE):c.3044C>A (p.Ser1015Tyr)

Gene: PCARE (photoreceptor cilium actin regulator; minus strand). Cytogenetic location: 2p23.2.
Variant type: single nucleotide variant.
Coding change: c.3044C>A on transcript NM_001029883.3 (MANE Select); coding-DNA position 3044, C replaced by A.
Protein change: p.Ser1015Tyr; replaces serine 1015 with tyrosine.
Molecular consequence: missense variant.
Genome position (GRCh38, 1-based): chr2:29,071,218, G>T on the plus strand (C>A on the coding strand, the complement: PCARE is on the minus strand). VCF-style: chr2-29071218-G-T. GRCh37 (hg19) VCF-style: chr2-29294084-G-T.
Other names: short protein forms S1015Y.
Identifiers: ClinVar variation 335642 (VCV000335642.44), dbSNP rs202196567, ClinGen allele CA1592042.

ClinVar aggregate classification (germline): Conflicting classifications of pathogenicity. Review status: criteria provided, conflicting classifications (1 of 4 stars). 8 submissions from 8 submitters: Uncertain significance (6); Likely benign (1). 1 of the submissions does not count toward it. Last evaluated 2026-08-19.

Conditions:
Retinal dystrophy. Also called: Inherited retinal dystrophy. Identifiers: Orphanet 71862, MedGen C0854723, MeSH D058499, MONDO:0019118, HP:0000556.
PCARE-related disorder. Also called: PCARE-related condition.
Retinitis pigmentosa (RP). Identifiers: Orphanet 791, MedGen C0035334, MeSH D012174, MONDO:0019200, OMIM 268000. Inheritance: Autosomal dominant, autosomal recessive and X linked inheritance.

Allele frequency attached by ClinVar (database versions not stated): 1000 Genomes Project 30x 0.00016; gnomAD 0.00017 and 0.00018; TOPMed 0.00018; 1000 Genomes Project 0.00020; ESP Exome Variant Server 0.00041.
gnomAD v4.1: 345 of 1,608,528 alleles (0.021%); highest among the groups gnomAD compares: Middle Eastern, 0.12%; no homozygotes.

Submissions (8):

PreventionGenetics, part of Exact Sciences
Classification: Uncertain significance for PCARE-related condition. Last evaluated: 2026-08-19. Review status: criteria provided, single submitter. Criteria: ACMG Guidelines, 2015. Collection method: clinical testing. Allele origin: germline.
Comment: The PCARE c.3044C>A variant is predicted to result in the amino acid substitution p.Ser1015Tyr. To our knowledge, this variant has not been reported in the literature. This variant is reported in 0.11% of alleles in individuals of Ashkenazi Jewish descent in gnomAD. Although we suspect that this variant may be benign, at this time, the clinical significance of this variant is uncertain due to the absence of conclusive functional and genetic evidence.

Blueprint Genetics
Classification: Likely benign. Last evaluated: 2024-11-15. Review status: criteria provided, single submitter. Criteria: ACMG Guidelines, 2015. Collection method: clinical testing. Allele origin: germline.

CeGaT Center for Human Genetics Tuebingen
Classification: Uncertain significance. Last evaluated: 2024-01-01. Review status: criteria provided, single submitter. Criteria: CeGaT Center For Human Genetics Tuebingen Variant Classification Criteria Version 2. Collection method: clinical testing. Allele origin: germline. Affected: yes. Observed: 1 variant allele.
Comment: PCARE: PM2, BP4

Labcorp Genetics (formerly Invitae), Labcorp
Classification: Uncertain significance. Last evaluated: 2023-11-27. Review status: criteria provided, single submitter. Criteria: Invitae Variant Classification Sherloc (09022015). Collection method: clinical testing. Allele origin: germline.
Comment: This sequence change replaces serine, which is neutral and polar, with tyrosine, which is neutral and polar, at codon 1015 of the PCARE protein (p.Ser1015Tyr). This variant is present in population databases (rs202196567, gnomAD 0.1%). This variant has not been reported in the literature in individuals affected with PCARE-related conditions. ClinVar contains an entry for this variant (Variation ID: 335642). An algorithm developed to predict the effect of missense changes on protein structure and function (PolyPhen-2) suggests that this variant is likely to be disruptive. In summary, the available evidence is currently insufficient to determine the role of this variant in disease. Therefore, it has been classified as a Variant of Uncertain Significance.

ARUP Laboratories, Molecular Genetics and Genomics, ARUP Laboratories
Classification: Uncertain significance. Last evaluated: 2019-05-22. Review status: criteria provided, single submitter. Criteria: ARUP Molecular Germline Variant Investigation Process. Collection method: clinical testing. Allele origin: germline.
Comment: The C2orf71 (PCARE) c.3044C>A; p.Ser1015Tyr variant (rs202196567), to our knowledge, is not reported in the medical literature but is reported in ClinVar (Variation ID: 335642). This variant is found in the general population with an overall allele frequency of 0.03% (76/275818 alleles) in the Genome Aggregation Database. The serine at codon 1015 is moderately conserved and computational analyses (SIFT, PolyPhen-2) predict that this variant is deleterious. However, due to limited information, the clinical significance of the p.Ser1015Tyr variant is uncertain at this time.

Eurofins Ntd Llc (ga)
Classification: Uncertain significance. Last evaluated: 2018-04-03. Review status: criteria provided, single submitter. Criteria: EGL ClinVar v180209 classification definitions. Collection method: clinical testing. Allele origin: germline. Observed: 1 variant allele, 1 heterozygote.

Illumina Laboratory Services, Illumina
Classification: Uncertain significance for Retinitis pigmentosa. Last evaluated: 2018-01-13. Review status: criteria provided, single submitter. Criteria: ICSL Variant Classification Criteria 13 December 2019. Collection method: clinical testing. Allele origin: germline.

Institute of Human Genetics, Univ. Regensburg, Univ. Regensburg
Classification: Uncertain significance for Retinal dystrophy. Last evaluated: 2023-01-01. Review status: no assertion criteria provided. Criteria: ACMG Guidelines, 2015. Collection method: clinical testing. Allele origin: germline. Affected: yes. Not counted in ClinVar's aggregate classification.